The following is an entry in ClinVar:

NM_002470.4(MYH3):c.1501G>T (p.Glu501Ter)

Gene: MYH3 (myosin heavy chain 3; minus strand). Cytogenetic location: 17p13.1.
Variant type: single nucleotide variant.
Coding change: c.1501G>T on transcript NM_002470.4 (MANE Select); coding-DNA position 1501, G replaced by T.
Protein change: p.Glu501Ter; replaces glutamic acid 501 with a stop codon.
Molecular consequence: nonsense.
Genome position (GRCh38, 1-based): chr17:10,642,906, C>A on the plus strand (G>T on the coding strand, the complement: MYH3 is on the minus strand). VCF-style: chr17-10642906-C-A. GRCh37 (hg19) VCF-style: chr17-10546223-C-A.
Other names: short protein forms E501*.
Identifiers: ClinVar variation 4699653 (VCV004699653.1).

ClinVar aggregate classification (germline): Pathogenic (1 of 4 stars; one submission).

gnomAD v4.1: 11 of 1,614,092 alleles (0.00068%); highest among the groups gnomAD compares: Non-Finnish European, 0.00093%; no homozygotes.

Submission:

Labcorp Genetics (formerly Invitae), Labcorp
Classification: Pathogenic. Last evaluated: 2025-06-05. Review status: criteria provided, single submitter. Criteria: Invitae Variant Classification Sherloc (09022015). Collection method: clinical testing. Allele origin: germline.
Comment: This sequence change creates a premature translational stop signal (p.Glu501*) in the MYH3 gene. It is expected to result in an absent or disrupted protein product. Loss-of-function variants in MYH3 are known to be pathogenic (PMID: 29805041, 30008475). This variant is not present in population databases (gnomAD no frequency). This variant has not been reported in the literature in individuals affected with MYH3-related conditions. For these reasons, this variant has been classified as Pathogenic.

Literature cited by the submitters: PubMed 29805041; PubMed 30008475.